The following is an entry in ClinVar:

ClinVar aggregate classification (germline): Pathogenic (1 of 4 stars; one submission).

Submission:

Labcorp Genetics (formerly Invitae), Labcorp
Classification: Pathogenic. Last evaluated: 2021-08-17. Review status: criteria provided, single submitter. Criteria: Invitae Variant Classification Sherloc (09022015). Collection method: clinical testing. Allele origin: germline.
Comment: This variant is a gross deletion of the genomic region encompassing exon(s) 25 of the SLC12A3 gene. While this deletion is not anticipated to lead to nonsense mediated decay, it is expected to disrupt the C-terminus of the protein. This variant has not been reported in the literature in individuals affected with SLC12A3-related conditions. This variant disrupts a region of the SLC12A3 protein in which other variant(s) (p.Arg964Trp) have been determined to be pathogenic (PMID: 21415153, 31672324). This suggests that this is a clinically significant region of the protein, and that variants that disrupt it are likely to be disease-causing. For these reasons, this variant has been classified as Pathogenic.

Literature cited by the submitters: PubMed 21415153; PubMed 31672324.

NC_000016.9:g.(?_56938297)_(56938384_?)del

Gene: SLC12A3 (solute carrier family 12 member 3; plus strand). Cytogenetic location: 16q13.
Variant type: Deletion.
Identifiers: ClinVar variation 1459029 (VCV001459029.3).